The following is an entry in ClinVar:

ClinVar aggregate classification (germline): Benign/Likely benign. Review status: criteria provided, multiple submitters, no conflicts (2 of 4 stars). 3 submissions from 3 submitters: Benign (1); Likely benign (2). Last evaluated 2025-07-21.

Conditions:
Mitochondrial complex II deficiency, nuclear type 1. Also called: SUCCINATE CoQ REDUCTASE DEFICIENCY. Identifiers: Orphanet 3208, MedGen C5700310, MONDO:0100294, OMIM 252011.
Pheochromocytoma/paraganglioma syndrome 5. Also called: Paragangliomas 5; SDHA-Related Hereditary Paraganglioma-Pheochromocytoma Syndrome. Identifiers: Orphanet 29072, MedGen C3279992, MONDO:0013602, OMIM 614165.
Hereditary cancer-predisposing syndrome. Also called: Tumor predisposition; Hereditary Cancer Syndrome; Hereditary neoplastic syndrome; Neoplastic Syndromes, Hereditary. Identifiers: Orphanet 140162, MedGen C0027672, MeSH D009386, MONDO:0015356.

Allele frequency attached by ClinVar (database versions not stated): gnomAD exomes 0.00001; ExAC 0.00002.
gnomAD v4.1: 3 of 1,612,748 alleles (0.00019%); highest among the groups gnomAD compares: Admixed American, 0.005%; no homozygotes.

Submissions (3):

Labcorp Genetics (formerly Invitae), Labcorp
Classification: Likely benign for Pheochromocytoma/paraganglioma syndrome 5; Mitochondrial complex II deficiency, nuclear type 1. Last evaluated: 2025-07-21. Review status: criteria provided, single submitter. Criteria: Invitae Variant Classification Sherloc (09022015). Collection method: clinical testing. Allele origin: germline.

Myriad Genetics, Inc.
Classification: Benign for Pheochromocytoma/paraganglioma syndrome 5. Last evaluated: 2025-02-28. Review status: criteria provided, single submitter. Criteria: Myriad Autosomal Dominant, Autosomal Recessive and X-Linked Classification Criteria (2023). Collection method: clinical testing. Allele origin: unknown.
Comment: This variant is considered benign. This variant is a silent/synonymous amino acid change and it is not expected to impact splicing.

Ambry Genetics
Classification: Likely benign for Hereditary cancer-predisposing syndrome. Last evaluated: 2020-10-09. Review status: criteria provided, single submitter. Criteria: Ambry Variant Classification Scheme 2023. Collection method: clinical testing. Allele origin: germline.

NM_004168.4(SDHA):c.297C>T (p.His99=)

Gene: SDHA (succinate dehydrogenase complex flavoprotein subunit A; plus strand). Cytogenetic location: 5p15.33.
Variant type: single nucleotide variant.
Coding change: c.297C>T on transcript NM_004168.4 (MANE Select); coding-DNA position 297, C replaced by T.
Protein change: p.His99=; no amino-acid change (histidine 99 retained).
Molecular consequence: synonymous variant.
Genome position (GRCh38, 1-based): chr5:224,506, C>T. VCF-style: chr5-224506-C-T. GRCh37 (hg19) VCF-style: chr5-224621-C-T.
Other names: c.297C>T, p.His99= (NM_001294332.2, NM_001330758.2).
Identifiers: ClinVar variation 1798380 (VCV001798380.8), dbSNP rs745395045, ClinGen allele CA3172763.